The following is an entry in ClinVar:

ClinVar aggregate classification (germline): Pathogenic/Likely pathogenic. Review status: criteria provided, multiple submitters, no conflicts (2 of 4 stars). 7 submissions from 7 submitters: Pathogenic (3); Likely pathogenic (3). 1 of the submissions does not count toward it. Last evaluated 2025-11-20.

Conditions:
Megalencephaly-polymicrogyria-polydactyly-hydrocephalus syndrome 3 (MPPH3). Identifiers: Orphanet 83473, MedGen C4014742, MONDO:0014408, OMIM 615938.

Allele frequency attached by ClinVar (database versions not stated): TOPMed below 0.00001; ExAC 0.00001; gnomAD exomes below 0.00001.
gnomAD v4.1: 3 of 1,614,052 alleles (0.00019%); highest among the groups gnomAD compares: Non-Finnish European, 0.00025%; no homozygotes.

Submissions (7):

Dasa
Classification: Pathogenic. Last evaluated: 2025-11-20. Review status: criteria provided, single submitter. Criteria: DASA Assertion Criteria. Collection method: clinical testing. Allele origin: germline.
Comment: NM_001759.4(CCND2):c.839C>T (p.Thr280Ile) is a missense variant that results in the substitution of threonine with isoleucine. The affected residue or protein region has prior evidence supporting clinical relevance. De novo occurrence has been reported in an individual with related phenotype. Functional evidence supports a deleterious effect on the gene or gene product (PMID: 34087052; PMID: 31441589; PMID: 29642246; PMID: 31056854). This variant has been recurrently observed in individuals with related phenotype (PMID: 34087052; PMID: 31441589; PMID: 29642246; PMID: 31056854). The variant is present at low frequency in population datasets. Based on the available data, this variant is classified as pathogenic.

GeneDx
Classification: Pathogenic. Last evaluated: 2022-09-07. Review status: criteria provided, single submitter. Criteria: GeneDx Variant Classification Process June 2021. Collection method: clinical testing. Allele origin: germline. Affected: yes.
Comment: In silico analysis, which includes protein predictors and evolutionary conservation, supports a deleterious effect; This variant is associated with the following publications: (PMID: 34087052, 34490615, 31441589, 31056854, 29642246)

Labcorp Genetics (formerly Invitae), Labcorp
Classification: Pathogenic. Last evaluated: 2022-06-01. Review status: criteria provided, single submitter. Criteria: Invitae Variant Classification Sherloc (09022015). Collection method: clinical testing. Allele origin: germline.
Comment: This missense change has been observed in individual(s) with clinical features of megalencephaly-polymicrogyria-polydactyly-hydrocephalus syndrome (PMID: 31056854). In at least one individual the variant was observed to be de novo. For these reasons, this variant has been classified as Pathogenic. Advanced modeling of protein sequence and biophysical properties (such as structural, functional, and spatial information, amino acid conservation, physicochemical variation, residue mobility, and thermodynamic stability) performed at Invitae indicates that this missense variant is expected to disrupt CCND2 protein function. ClinVar contains an entry for this variant (Variation ID: 666559). This variant is present in population databases (rs587777620, gnomAD 0.0009%). This sequence change replaces threonine, which is neutral and polar, with isoleucine, which is neutral and non-polar, at codon 280 of the CCND2 protein (p.Thr280Ile).

MGZ Medical Genetics Center
Classification: Likely pathogenic for Megalencephaly-polymicrogyria-polydactyly-hydrocephalus syndrome 3. Last evaluated: 2022-03-24. Review status: criteria provided, single submitter. Criteria: ACMG Guidelines, 2015. Collection method: clinical testing. Allele origin: germline. Affected: yes. Observed: 1 variant allele.
Comment: ACMG criteria applied: PM1, PM5, PM6, PS3_SUP, PM2_SUP

Institute of Human Genetics Munich, TUM University Hospital
Classification: Likely pathogenic for Megalencephaly-polymicrogyria-polydactyly-hydrocephalus syndrome 3. Last evaluated: 2021-02-05. Review status: criteria provided, single submitter. Criteria: Classification criteria August 2017. Collection method: clinical testing. Allele origin: germline. Inheritance: Autosomal dominant inheritance. Affected: yes. Observed: 1 variant allele.

Equipe Genetique des Anomalies du Developpement, Université de Bourgogne
Classification: Likely pathogenic for Megalencephaly-polymicrogyria-polydactyly-hydrocephalus syndrome 3. Last evaluated: 2018-08-07. Review status: criteria provided, single submitter. Criteria: ACMG Guidelines, 2015. Collection method: clinical testing. Allele origin: de novo. Affected: yes.

Baylor Genetics
Classification: Uncertain significance for Megalencephaly-polymicrogyria-polydactyly-hydrocephalus syndrome 3. Last evaluated: 2018-04-13. Review status: flagged submission. Criteria: ACMG Guidelines, 2015. Collection method: clinical testing. Allele origin: unknown. Affected: yes. Not counted in ClinVar's aggregate classification.
Comment: This variant was determined to be of uncertain significance according to ACMG Guidelines, 2015 [PMID:25741868].
ClinVar note: Reason: Outlier claim with insufficient supporting evidence

Literature cited by the submitters: PubMed 34087052 (cited by Dasa); PubMed 31441589 (cited by Dasa); PubMed 29642246 (cited by Dasa); PubMed 31056854 (cited by Dasa and Labcorp Genetics (formerly Invitae), Labcorp).

NM_001759.4(CCND2):c.839C>T (p.Thr280Ile)

Gene: CCND2 (cyclin D2; plus strand). Cytogenetic location: 12p13.32.
Variant type: single nucleotide variant.
Coding change: c.839C>T on transcript NM_001759.4 (MANE Select); coding-DNA position 839, C replaced by T.
Protein change: p.Thr280Ile; replaces threonine 280 with isoleucine.
Molecular consequence: missense variant.
Genome position (GRCh38, 1-based): chr12:4,299,978, C>T. VCF-style: chr12-4299978-C-T. GRCh37 (hg19) VCF-style: chr12-4409144-C-T.
Other names: short protein forms T280I.
Identifiers: ClinVar variation 666559 (VCV000666559.14), dbSNP rs587777620, ClinGen allele CA6395339.